The following is an entry in ClinVar:

ClinVar aggregate classification (germline): Benign/Likely benign. Review status: criteria provided, multiple submitters, no conflicts (2 of 4 stars). 4 submissions from 4 submitters: Benign (2); Likely benign (1). 1 of the submissions does not count toward it. Last evaluated 2026-02-01.

Conditions:
SLC30A10-related disorder. Also called: SLC30A10-related condition.
Hypermanganesemia with dystonia, polycythemia, and cirrhosis (HMNDYT1). Also called: Hepatic Cirrhosis, Dystonia, Polycythemia and Hypermanganesemia; Cirrhosis - dystonia - polycythemia - hypermanganesemia syndrome; Hypermanganesemia with Dystonia 1. Identifiers: Orphanet 309854, MedGen C2750442, MONDO:0013208, OMIM 613280.

Allele frequency attached by ClinVar (database versions not stated): TOPMed 0.00003; gnomAD 0.00006; 1000 Genomes Project 30x 0.00234; 1000 Genomes Project 0.00240; ExAC 0.00711.
gnomAD v4.1: 981 of 1,537,092 alleles (0.064%); highest among the groups gnomAD compares: South Asian, 1.1%; 10 homozygotes.

Submissions (4):

CeGaT Center for Human Genetics Tuebingen
Classification: Likely benign. Last evaluated: 2026-02-01. Review status: criteria provided, single submitter. Criteria: CeGaT Center For Human Genetics Tuebingen Variant Classification Criteria Version 2. Collection method: clinical testing. Allele origin: germline. Affected: yes. Observed: 5 variant alleles.
Comment: SLC30A10: BP4, BP7, BS1

Labcorp Genetics (formerly Invitae), Labcorp
Classification: Benign. Last evaluated: 2025-10-01. Review status: criteria provided, single submitter. Criteria: Invitae Variant Classification Sherloc (09022015). Collection method: clinical testing. Allele origin: germline.

Illumina Laboratory Services, Illumina
Classification: Benign for Hypermanganesemia with dystonia, polycythemia, and cirrhosis. Last evaluated: 2018-01-12. Review status: criteria provided, single submitter. Criteria: ICSL Variant Classification Criteria 13 December 2019. Collection method: clinical testing. Allele origin: germline.
Comment: This variant was observed in the ICSL laboratory as part of a predisposition screen in an ostensibly healthy population. It had not been previously curated by ICSL or reported in the Human Gene Mutation Database (HGMD: prior to June 1st, 2018), and was therefore a candidate for classification through an automated scoring system. Utilizing variant allele frequency, disease prevalence and penetrance estimates, and inheritance mode, an automated score was calculated to assess if this variant is too frequent to cause the disease. Based on the score and internal cut-off values, a variant classified as benign is not then subjected to further curation. The score for this variant resulted in a classification of benign for this disease.

PreventionGenetics, part of Exact Sciences
Classification: Benign for SLC30A10-related condition. Last evaluated: 2019-06-14. Review status: no assertion criteria provided. Collection method: clinical testing. Allele origin: germline. Not counted in ClinVar's aggregate classification.
Comment: This variant is classified as benign based on ACMG/AMP sequence variant interpretation guidelines (Richards et al. 2015 PMID: 25741868, with internal and published modifications).

NM_018713.3(SLC30A10):c.516C>G (p.Gly172=)

Gene: SLC30A10 (solute carrier family 30 member 10; minus strand). Cytogenetic location: 1q41.
Variant type: single nucleotide variant.
Coding change: c.516C>G on transcript NM_018713.3 (MANE Select); coding-DNA position 516, C replaced by G.
Protein change: p.Gly172=; no amino-acid change (glycine 172 retained).
Molecular consequence: synonymous variant. On other transcripts: non-coding transcript variant (1), intron variant (1).
Genome position (GRCh38, 1-based): chr1:219,927,925, G>C on the plus strand (C>G on the coding strand, the complement: SLC30A10 is on the minus strand). VCF-style: chr1-219927925-G-C. GRCh37 (hg19) VCF-style: chr1-220101267-G-C.
Other names: c.452-820C>G (NM_001376929.1).
Identifiers: ClinVar variation 295591 (VCV000295591.30), dbSNP rs539271108, ClinGen allele CA1399309.
Genomic context (GRCh38, chr1:219,927,925, plus strand): 5'-GGTTACGGCCGAGTCCGAGCCTGGGGCTGTCGGGTCCGCCGCGCGCCGCGGGTCCTCCGC[G>C]CCCTGAGGCCCCCCGAAAGCGCCGGGGACACAGCCCTCCGCCAGCTGCTGCCGCTGCTGC-3'
Protein context (NP_061183.2, residues 162-182): CVPGAFGGPQ[Gly172=]AEDPRRAADP